The following is an entry in ClinVar:

ClinVar aggregate classification (germline): Uncertain significance (1 of 4 stars; one submission).

Conditions:
Hereditary cancer-predisposing syndrome. Also called: Hereditary neoplastic syndrome; Tumor predisposition; Hereditary Cancer Syndrome; Neoplastic Syndromes, Hereditary. Identifiers: Orphanet 140162, MedGen C0027672, MeSH D009386, MONDO:0015356.

Submission:

Ambry Genetics
Classification: Uncertain significance for Hereditary cancer-predisposing syndrome. Last evaluated: 2023-09-04. Review status: criteria provided, single submitter. Criteria: Ambry Variant Classification Scheme 2023. Collection method: clinical testing. Allele origin: germline.
Comment: The p.L1231P variant (also known as c.3692T>C), located in coding exon 15 of the APC gene, results from a T to C substitution at nucleotide position 3692. The leucine at codon 1231 is replaced by proline, an amino acid with similar properties. This amino acid position is conserved. In addition, in silico predictors for this gene do not accurately predict pathogenicity. Since supporting evidence is limited at this time, the clinical significance of this alteration remains unclear.

NM_000038.6(APC):c.3692T>C (p.Leu1231Pro)

Gene: APC (APC regulator of Wnt signaling pathway; plus strand). Cytogenetic location: 5q22.2.
Variant type: single nucleotide variant.
Coding change: c.3692T>C on transcript NM_000038.6 (MANE Select); coding-DNA position 3692, T replaced by C.
Protein change: p.Leu1231Pro; replaces leucine 1231 with proline.
Molecular consequence: missense variant. On other transcripts: non-coding transcript variant (2).
Genome position (GRCh38, 1-based): chr5:112,839,286, T>C. VCF-style: chr5-112839286-T-C. GRCh37 (hg19) VCF-style: chr5-112174983-T-C.
Other names: c.3692T>C, p.Leu1231Pro (NM_001127510.3, NM_001354895.2, NM_001407450.1); c.3638T>C, p.Leu1213Pro (NM_001127511.3); c.3746T>C, p.Leu1249Pro (NM_001354896.2, NM_001407447.1, NM_001407448.1 and 1 more transcripts); c.3722T>C, p.Leu1241Pro (NM_001354897.2); c.3617T>C, p.Leu1206Pro (NM_001354898.2); c.3608T>C, p.Leu1203Pro (NM_001354899.2); c.3569T>C, p.Leu1190Pro (NM_001354900.2); c.3515T>C, p.Leu1172Pro (NM_001354901.2, NM_001407453.1); and 11 more; short protein forms L1140P, L1148P, L1224P, L1241P, L1249P, L1130P, L1203P, L1213P.
Identifiers: ClinVar variation 2587039 (VCV002587039.2), dbSNP rs2149897115, ClinGen allele CA16029436.
Genomic context (GRCh38, chr5:112,839,286, plus strand): 5'-TGTCTTCAAGCAGTGAGAATACGTCCACACCTTCATCTAATGCCAAGAGGCAGAATCAGC[T>C]CCATCCAAGTTCTGCACAGAGTAGAAGTGGTCAGCCTCAAAAGGCTGCCACTTGCAAAGT-3'
Protein context (NP_000029.2, residues 1221-1241): PSSNAKRQNQ[Leu1231Pro]HPSSAQSRSG